The following is an entry in ClinVar:

NM_000051.4(ATM):c.391dup (p.Ser131fs)

Gene: ATM (ATM serine/threonine kinase; plus strand). Cytogenetic location: 11q22.3.
Variant type: Duplication.
Coding change: c.391dup on transcript NM_000051.4 (MANE Select); coding-DNA position 391, one base duplicated (T; older notation c.391dupT).
Protein change: p.Ser131fs; shifts the reading frame from serine 131.
Molecular consequence: frameshift variant.
Genome position (GRCh38, 1-based): chr11:108,235,729, T duplicated; the last of 2 consecutive T bases (chr11:108,235,728-108,235,729); duplicating either gives the same sequence. VCF-style (leftmost placement, unchanged base first): chr11-108235727-A-AT. GRCh37 (hg19) VCF-style: chr11-108106454-A-AT.
Other names: c.391dup, p.Ser131fs (NM_001351834.2); short protein forms S131fs.
Identifiers: ClinVar variation 968457 (VCV000968457.7), dbSNP rs2079239543, ClinGen allele CA1139662256.

ClinVar aggregate classification (germline): Pathogenic (1 of 4 stars; one submission).

Conditions:
Ataxia-telangiectasia syndrome (AT). Also called: ATAXIA-TELANGIECTASIA, FRESNO VARIANT; Ataxia-telangiectasia, complementation group E; Ataxia telangiectasia (A-T); LOUIS-BAR SYNDROME; Ataxia-telangiectasia, complementation group D; AT, COMPLEMENTATION GROUP C. Identifiers: Orphanet 100, MedGen C0004135, MONDO:0008840, OMIM 208900.

Submission:

Labcorp Genetics (formerly Invitae), Labcorp
Classification: Pathogenic for Ataxia-telangiectasia syndrome. Last evaluated: 2025-08-06. Review status: criteria provided, single submitter. Criteria: Invitae Variant Classification Sherloc (09022015). Collection method: clinical testing. Allele origin: germline.
Comment: This sequence change creates a premature translational stop signal (p.Ser131Phefs*3) in the ATM gene. It is expected to result in an absent or disrupted protein product. Loss-of-function variants in ATM are known to be pathogenic (PMID: 23807571, 25614872). This variant is not present in population databases (gnomAD no frequency). This variant has not been reported in the literature in individuals affected with ATM-related conditions. ClinVar contains an entry for this variant (Variation ID: 968457). Algorithms developed to predict the effect of sequence changes on RNA splicing suggest that this variant may disrupt the consensus splice site. For these reasons, this variant has been classified as Pathogenic.

Literature cited by the submitters: PubMed 23807571; PubMed 25614872.